The following is an entry in ClinVar:

ClinVar aggregate classification (germline): Pathogenic (1 of 4 stars; one submission).

Conditions:
Leber congenital amaurosis (LCA). Also called: Leber's amaurosis. Identifiers: Orphanet 65, MedGen C0339527, MeSH D057130, MONDO:0018998.

Submission:

Women's Health and Genetics/Laboratory Corporation of America, LabCorp
Classification: Pathogenic for Leber congenital amaurosis. Last evaluated: 2026-06-04. Review status: criteria provided, single submitter. Criteria: LabCorp Variant Classification Summary - May 2015. Collection method: clinical testing. Allele origin: germline.
Comment: Variant summary: The variant involves the deletion of exons 1-7 in the GUCY2D gene. A presumed nomenclature of c.(?_-130)_1580del has been designated for the purposes of this classification. This Copy Number Variant (CNV) involves a partial deletion of exon 7. The exact breakpoint at the 5' end of this variant is unknown, therefore this deletion may extend upstream of the annotated region of this gene. It is predicted to remove the initiation codon and result in an absence of protein or a truncation of the encoded protein due to translation initiation at a downstream site. Loss-of-function variants in this gene are known to be pathogenic.The variant was absent in 21694 control chromosomes. To our knowledge, no occurrence of c.(?_-130)_1580del in individuals affected with GUCY2D-related conditions and no experimental evidence demonstrating its impact on protein function have been reported. ClinVar contains an entry for a similar variant (Variation ID: 4279301). To our knowledge, this variant has not been reported in individuals with autosomal dominant GUCY2D-related conditions. Based on the evidence outlined above, the variant was classified as pathogenic for autosomal recessive Leber congenital amaurosis.

NC_000017.10:g.(?_7905932)_7911262del

Gene: GUCY2D (guanylate cyclase 2D, retinal; plus strand). Cytogenetic location: 17p13.1.
Variant type: Deletion.
Identifiers: ClinVar variation 4887530 (VCV004887530.1).